The following is an entry in ClinVar:

ClinVar aggregate classification (germline): Likely pathogenic (1 of 4 stars; one submission).

Conditions:
Congenital myasthenic syndrome 4A. Also called: Myasthenic syndrome, congenital, 4a, slow-channel; CONGENITAL MYASTHENIC SYNDROME TYPE Ia1; MYASTHENIC SYNDROME, CONGENITAL, 4A, SLOW-CHANNEL, AUTOSOMAL RECESSIVE. Identifiers: Orphanet 590, MedGen C4225413, MONDO:0011600, OMIM 605809.

Submission:

MGZ Medical Genetics Center
Classification: Likely pathogenic for Congenital myasthenic syndrome 4A. Last evaluated: 2021-09-27. Review status: criteria provided, single submitter. Criteria: ACMG Guidelines, 2015. Collection method: clinical testing. Allele origin: germline. Affected: yes. Observed: 1 variant allele.
Comment: ACMG criteria applied: PM1, PM5, PM2_SUP, PP3

NM_000080.4(CHRNE):c.853G>A (p.Val285Ile)

Genes: C17orf107 (chromosome 17 open reading frame 107; plus strand), CHRNE (cholinergic receptor nicotinic epsilon subunit; minus strand). Cytogenetic location: 17p13.2.
Variant type: single nucleotide variant.
Coding change: c.853G>A on transcript NM_000080.4 (MANE Select); coding-DNA position 853, G replaced by A.
Protein change: p.Val285Ile; replaces valine 285 with isoleucine.
Molecular consequence: missense variant. On other transcripts: 3 prime UTR variant (1).
Genome position (GRCh38, 1-based): chr17:4,900,857, C>T on the plus strand (G>A on the coding strand, the complement: CHRNE is on the minus strand). VCF-style: chr17-4900857-C-T. GRCh37 (hg19) VCF-style: chr17-4804152-C-T.
Other names: c.*324C>T (NM_001145536.2); short protein forms V285I.
Identifiers: ClinVar variation 1709967 (VCV001709967.2), dbSNP rs1597618794, ClinGen allele CA397304504.
Genomic context (GRCh38, chr17:4,900,857, plus strand): 5'-CCAGGAGCGGCACGCTCAGAGAAGTCTCTGGGATTTTCTGGGCAATGAGGAACAAGAAGA[C>T]GGTCTGGGCGAGCAGGACGTTGATGGAGACCGTGCATTTCTGGCCGCCGGCTGGAGGGAG-3'
Protein context (NP_000071.1, residues 275-295): VSINVLLAQT[Val285Ile]FLFLIAQKIP